The following is an entry in ClinVar:

ClinVar aggregate classification (germline): Uncertain significance. Review status: reviewed by expert panel (3 of 4 stars). 8 submissions from 8 submitters: Uncertain significance (1). 7 of the submissions do not count toward it. Last evaluated 2017-05-09.

Conditions:
Cardiovascular phenotype. Identifiers: MedGen CN230736.
Cardiofaciocutaneous syndrome 4 (CFC4). Also called: MAP2K2-Related Cardiofaciocutaneous Syndrome. Identifiers: Orphanet 1340, MedGen C3809007, MONDO:0014114, OMIM 615280.
RASopathy. Also called: Noonan spectrum disorder; rasopathies. Identifiers: Orphanet 536391, MedGen C5555857, MONDO:0021060.

Allele frequency attached by ClinVar (database versions not stated): gnomAD 0.00004 and 0.00005; gnomAD exomes 0.00004 and 0.00003; ExAC 0.00004; TOPMed 0.00007; ESP Exome Variant Server 0.00023.
gnomAD v4.1: 53 of 1,613,172 alleles (0.0033%); highest among the groups gnomAD compares: African/African-American, 0.012%; no homozygotes.

Submissions (8):

ClinGen RASopathy Variant Curation Expert Panel
Classification: Uncertain significance for Noonan syndrome and Noonan-related syndrome. Last evaluated: 2017-05-09. Review status: reviewed by expert panel. Criteria: ClinGen RASopathy ACMG Specifications v1. Collection method: curation. Allele origin: germline. Inheritance: Autosomal dominant inheritance.
Comment: The c.281C>T (p.Ser94Leu) variant in MAP2K2 has been identified in 2 independent occurrences in patients with a RASopathy (PS4 not met; GeneDx, LMM internal data; GTR ID; 26957, 21766; SCV000204231.4; SCV000207977.8). The variant is located in the MAP2K2 gene, which has been defined by the ClinGen RASopathy Expert Panel as a gene with a low rate of benign missense variants and pathogenic missense variants are common (PP2; PMID: 29493581). In summary, the clinical significance of the p.Ser94Leu variant is uncertain. ACMG/AMP criteria applied: PP2.

Labcorp Genetics (formerly Invitae), Labcorp
Classification: Uncertain significance for RASopathy. Last evaluated: 2026-01-09. Review status: criteria provided, single submitter. Criteria: Invitae Variant Classification Sherloc (09022015). Collection method: clinical testing. Allele origin: germline. Not counted in ClinVar's aggregate classification.
Comment: This sequence change replaces serine, which is neutral and polar, with leucine, which is neutral and non-polar, at codon 94 of the MAP2K2 protein (p.Ser94Leu). This variant is present in population databases (rs202220799, gnomAD 0.02%). This variant has not been reported in the literature in individuals affected with MAP2K2-related conditions. ClinVar contains an entry for this variant (Variation ID: 40786). Invitae Evidence Modeling incorporating data from in vitro experimental studies (internal data) indicates that this missense variant is not expected to disrupt MAP2K2 function with a negative predictive value of 95%. In summary, the available evidence is currently insufficient to determine the role of this variant in disease. Therefore, it has been classified as a Variant of Uncertain Significance.

GeneDx
Classification: Uncertain significance. Last evaluated: 2025-09-10. Review status: criteria provided, single submitter. Criteria: GeneDx Variant Classification Process June 2021. Collection method: clinical testing. Allele origin: germline. Affected: yes. Not counted in ClinVar's aggregate classification.
Comment: Has not been previously published as pathogenic or benign to our knowledge; In silico analysis supports that this missense variant has a deleterious effect on protein structure/function; Missense variants in this gene are often considered pathogenic (HGMD)

Women's Health and Genetics/Laboratory Corporation of America, LabCorp
Classification: Likely benign. Last evaluated: 2025-02-10. Review status: criteria provided, single submitter. Criteria: LabCorp Variant Classification Summary - May 2015. Collection method: clinical testing. Allele origin: germline. Not counted in ClinVar's aggregate classification.
Comment: Variant summary: MAP2K2 c.281C>T (p.Ser94Leu) results in a non-conservative amino acid change located in the Protein kinase domain (IPR000719) of the encoded protein sequence. Five of five in-silico tools predict a damaging effect of the variant on protein function. The variant allele was found at a frequency of 3.5e-05 in 282136 control chromosomes. The observed variant frequency is approximately 14 fold of the estimated maximal expected allele frequency for a pathogenic variant in MAP2K2 causing Noonan Syndrome And Related Conditions phenotype (2.5e-06). To our knowledge, no occurrence of c.281C>T in individuals affected with Noonan Syndrome And Related Conditions and no experimental evidence demonstrating its impact on protein function have been reported. ClinVar contains an entry for this variant (Variation ID: 40786). Based on the evidence outlined above, the variant was classified as likely benign.

Ambry Genetics
Classification: Uncertain significance for Cardiovascular phenotype. Last evaluated: 2024-09-27. Review status: criteria provided, single submitter. Criteria: Ambry Variant Classification Scheme 2023. Collection method: clinical testing. Allele origin: germline. Not counted in ClinVar's aggregate classification.
Comment: The p.S94L variant (also known as c.281C>T), located in coding exon 2 of the MAP2K2 gene, results from a C to T substitution at nucleotide position 281. The serine at codon 94 is replaced by leucine, an amino acid with dissimilar properties. This amino acid position is highly conserved in available vertebrate species. In addition, the in silico prediction for this alteration is inconclusive. Based on the available evidence, the clinical significance of this variant remains unclear.

Fulgent Genetics
Classification: Likely benign for Cardiofaciocutaneous syndrome 4. Last evaluated: 2024-06-18. Review status: criteria provided, single submitter. Criteria: ACMG Guidelines, 2015. Collection method: clinical testing. Allele origin: germline. Not counted in ClinVar's aggregate classification.

Revvity Omics, Revvity
Classification: Uncertain significance for Cardiofaciocutaneous syndrome 4. Last evaluated: 2019-06-12. Review status: criteria provided, single submitter. Criteria: ACMG Guidelines, 2015. Collection method: clinical testing. Allele origin: germline. Not counted in ClinVar's aggregate classification.

Laboratory for Molecular Medicine, Mass General Brigham Personalized Medicine
Classification: Likely benign. Last evaluated: 2016-05-27. Review status: criteria provided, single submitter. Criteria: LMM Criteria. Collection method: clinical testing. Allele origin: germline. Observed: 4 variant alleles. Not counted in ClinVar's aggregate classification.
Comment: It has also been identified in 3/10138 of African chromosomes and 2/11476 Latino chromosomes by the Exome Aggregation Consortium (ExAC; dbSNP rs202220799).

NM_030662.4(MAP2K2):c.281C>T (p.Ser94Leu)

Gene: MAP2K2 (mitogen-activated protein kinase kinase 2; minus strand). Cytogenetic location: 19p13.3.
Variant type: single nucleotide variant.
Coding change: c.281C>T on transcript NM_030662.4 (MANE Select); coding-DNA position 281, C replaced by T.
Protein change: p.Ser94Leu; replaces serine 94 with leucine.
Molecular consequence: missense variant.
Genome position (GRCh38, 1-based): chr19:4,117,441, G>A on the plus strand (C>T on the coding strand, the complement: MAP2K2 is on the minus strand). VCF-style: chr19-4117441-G-A. GRCh37 (hg19) VCF-style: chr19-4117439-G-A.
Other names: p.S94L:TCG>TTG; NM_030662.3(MAP2K2):c.281C>T; short protein forms S94L.
Identifiers: ClinVar variation 40786 (VCV000040786.23), dbSNP rs202220799, ClinGen allele CA180967.